The following is an entry in ClinVar:

NM_173551.5(ANKS6):c.664C>G (p.Arg222Gly)

Gene: ANKS6 (ankyrin repeat and sterile alpha motif domain containing 6; minus strand). Cytogenetic location: 9q22.33.
Variant type: single nucleotide variant.
Coding change: c.664C>G on transcript NM_173551.5 (MANE Select); coding-DNA position 664, C replaced by G.
Protein change: p.Arg222Gly; replaces arginine 222 with glycine.
Molecular consequence: missense variant.
Genome position (GRCh38, 1-based): chr9:98,790,302, G>C on the plus strand (C>G on the coding strand, the complement: ANKS6 is on the minus strand). VCF-style: chr9-98790302-G-C. GRCh37 (hg19) VCF-style: chr9-101552584-G-C.
Other names: p.Arg222Gly; c.664C>G (NM_173551.3); short protein forms R222G.
Identifiers: ClinVar variation 641730 (VCV000641730.10), dbSNP rs41283630, ClinGen allele CA5153789.

ClinVar aggregate classification (germline): Conflicting classifications of pathogenicity. Review status: criteria provided, conflicting classifications (1 of 4 stars). 4 submissions from 4 submitters: Uncertain significance (3); Likely benign (1). Last evaluated 2025-09-10.

Conditions:
Nephronophthisis 16 (NPHP16). Identifiers: Orphanet 655, MedGen C3809320, MONDO:0014158, OMIM 615382.

Allele frequency attached by ClinVar (database versions not stated): TOPMed 0.00003.

Submissions (4):

Mayo Clinic Laboratories, Mayo Clinic
Classification: Likely benign. Last evaluated: 2025-09-10. Review status: criteria provided, single submitter. Criteria: ACMG Guidelines, 2015. Collection method: clinical testing. Allele origin: germline. Observed: 1 variant allele.
Comment: BS1, BP4_moderate

Labcorp Genetics (formerly Invitae), Labcorp
Classification: Uncertain significance for Nephronophthisis 16. Last evaluated: 2024-11-05. Review status: criteria provided, single submitter. Criteria: Invitae Variant Classification Sherloc (09022015). Collection method: clinical testing. Allele origin: germline.
Comment: This sequence change replaces arginine, which is basic and polar, with glycine, which is neutral and non-polar, at codon 222 of the ANKS6 protein (p.Arg222Gly). This variant is present in population databases (rs41283630, gnomAD 0.1%). This variant has not been reported in the literature in individuals affected with ANKS6-related conditions. ClinVar contains an entry for this variant (Variation ID: 641730). An algorithm developed to predict the effect of missense changes on protein structure and function (PolyPhen-2) suggests that this variant¬†is likely to be tolerated. In summary, the available evidence is currently insufficient to determine the role of this variant in disease. Therefore, it has been classified as a Variant of Uncertain Significance.

GeneDx
Classification: Uncertain significance. Last evaluated: 2023-08-14. Review status: criteria provided, single submitter. Criteria: GeneDx Variant Classification Process June 2021. Collection method: clinical testing. Allele origin: germline. Affected: yes.
Comment: In silico analysis supports that this missense variant does not alter protein structure/function; Has not been previously published as pathogenic or benign to our knowledge

Fulgent Genetics
Classification: Uncertain significance for Nephronophthisis 16. Last evaluated: 2022-03-12. Review status: criteria provided, single submitter. Criteria: ACMG Guidelines, 2015. Collection method: clinical testing. Allele origin: unknown.